The following is an entry in ClinVar:

ClinVar aggregate classification (germline): Conflicting classifications of pathogenicity. Review status: criteria provided, conflicting classifications (1 of 4 stars). 2 submissions from 2 submitters: Likely pathogenic (1); Uncertain significance (1). Last evaluated 2026-04-13.

Conditions:
Hereditary xanthinuria type 1 (XAN1). Identifiers: Orphanet 3467, Orphanet 93601, MedGen C0268118, MONDO:0010209, OMIM 278300.
XDH-related disorder. Also called: XDH-related condition.

gnomAD v4.1: 15 of 1,614,202 alleles (0.00093%); highest among the groups gnomAD compares: Non-Finnish European, 0.0013%; no homozygotes.

Submissions (2):

PreventionGenetics, part of Exact Sciences
Classification: Uncertain significance for XDH-related condition. Last evaluated: 2026-04-13. Review status: criteria provided, single submitter. Criteria: ACMG Guidelines, 2015. Collection method: clinical testing. Allele origin: germline.
Comment: The XDH c.3853C>T variant is predicted to result in premature protein termination (p.Gln1285*). To our knowledge, this variant has not been reported in the literature. This variant is reported in 0.00088% of alleles in individuals of European (Non-Finnish) descent in gnomAD. Nonsense variants in XDH are expected to be pathogenic; however, none have been reported downstream of this variant located in the penultimate exon. Although we suspect that this variant may be pathogenic, at this time, the clinical significance of this variant is uncertain due to the absence of conclusive functional and genetic evidence.

Fulgent Genetics
Classification: Likely pathogenic for Hereditary xanthinuria type 1. Last evaluated: 2023-12-30. Review status: criteria provided, single submitter. Criteria: ACMG Guidelines, 2015. Collection method: clinical testing. Allele origin: germline.

NM_000379.4(XDH):c.3853C>T (p.Gln1285Ter)

Gene: XDH (xanthine dehydrogenase; minus strand). Cytogenetic location: 2p23.1.
Variant type: single nucleotide variant.
Coding change: c.3853C>T on transcript NM_000379.4 (MANE Select); coding-DNA position 3853, C replaced by T.
Protein change: p.Gln1285Ter; replaces glutamine 1285 with a stop codon.
Molecular consequence: nonsense.
Genome position (GRCh38, 1-based): chr2:31,337,739, G>A on the plus strand (C>T on the coding strand, the complement: XDH is on the minus strand). VCF-style: chr2-31337739-G-A. GRCh37 (hg19) VCF-style: chr2-31560605-G-A.
Other names: c.3853C>T (NM_000379.3); short protein forms Q1285*.
Identifiers: ClinVar variation 3586414 (VCV003586414.2).